The following is an entry in ClinVar:

ClinVar aggregate classification (germline): Likely benign (0 of 4 stars; one submission).

Conditions:
PLXNA3-related disorder. Also called: PLXNA3-related condition.

Allele frequency attached by ClinVar (database versions not stated): gnomAD exomes 0.00002; gnomAD 0.00015; ESP Exome Variant Server 0.00019; TOPMed 0.00019; ExAC 0.00023.
gnomAD v4.1: 38 of 1,198,965 alleles (0.0032%); highest among the groups gnomAD compares: African/African-American, 0.063%; no homozygotes.

Submission:

PreventionGenetics, part of Exact Sciences
Classification: Likely benign for PLXNA3-related condition. Last evaluated: 2021-09-14. Review status: no assertion criteria provided. Collection method: clinical testing. Allele origin: germline.
Comment: This variant is classified as likely benign based on ACMG/AMP sequence variant interpretation guidelines (Richards et al. 2015 PMID: 25741868, with internal and published modifications).

NM_017514.5(PLXNA3):c.1956C>T (p.Tyr652=)

Gene: PLXNA3 (plexin A3; plus strand). Cytogenetic location: Xq28.
Variant type: single nucleotide variant.
Coding change: c.1956C>T on transcript NM_017514.5 (MANE Select); coding-DNA position 1956, C replaced by T.
Protein change: p.Tyr652=; no amino-acid change (tyrosine 652 retained).
Molecular consequence: synonymous variant.
Genome position (GRCh38, 1-based): chrX:154,464,781, C>T. VCF-style: chrX-154464781-C-T. GRCh37 (hg19) VCF-style: chrX-153693124-C-T.
Identifiers: ClinVar variation 3047531 (VCV003047531.2), dbSNP rs146912790, ClinGen allele CA10564234.
Genomic context (GRCh38, chrX:154,464,781, plus strand): 5'-CCTCTGTTATTTCTGAAGCCACTTCCCCCCCAGGTGCATGTCCTGTGTTGGCAGCCCTTA[C>T]CCCTGCCACTGGTGTAAGTACCGCCACACGTGTACCAGCCGCCCCCACGAGTGCTCCTTC-3'
Protein context (NP_059984.3, residues 642-662): QSCMSCVGSP[Tyr652=]PCHWCKYRHT